The following is an entry in ClinVar:

NM_004249.4(RAB28):c.620A>G (p.Gln207Arg)

Gene: RAB28 (RAB28, member RAS oncogene family; minus strand). Cytogenetic location: 4p15.33.
Variant type: single nucleotide variant.
Coding change: c.620A>G on transcript NM_004249.4 (MANE Plus Clinical); coding-DNA position 620, A replaced by G.
Protein change: p.Gln207Arg; replaces glutamine 207 with arginine.
Molecular consequence: missense variant. On other transcripts: intron variant (2).
Genome position (GRCh38, 1-based): chr4:13,369,919, T>C on the plus strand (A>G on the coding strand, the complement: RAB28 is on the minus strand). VCF-style: chr4-13369919-T-C. GRCh37 (hg19) VCF-style: chr4-13371543-T-C.
Other names: c.574-1269A>G (NM_001017979.3); c.*32-1269A>G (NM_001159601.2); short protein forms Q207R.
Identifiers: ClinVar variation 947182 (VCV000947182.7), dbSNP rs749261777, ClinGen allele CA2859985.

ClinVar aggregate classification (germline): Uncertain significance (1 of 4 stars; one submission).

Allele frequency attached by ClinVar (database versions not stated): gnomAD exomes below 0.00001; ExAC 0.00001.
gnomAD v4.1: 2 of 1,612,680 alleles (0.00012%); no homozygotes.

Submission:

Labcorp Genetics (formerly Invitae), Labcorp
Classification: Uncertain significance. Last evaluated: 2021-08-31. Review status: criteria provided, single submitter. Criteria: Invitae Variant Classification Sherloc (09022015). Collection method: clinical testing. Allele origin: germline.
Comment: This sequence change replaces glutamine with arginine at codon 207 of the RAB28 protein (p.Gln207Arg). The glutamine residue is weakly conserved and there is a small physicochemical difference between glutamine and arginine. This variant is present in population databases (rs749261777, ExAC 0.01%). This variant has not been reported in the literature in individuals affected with RAB28-related conditions. Algorithms developed to predict the effect of missense changes on protein structure and function output the following: SIFT: "Tolerated"; PolyPhen-2: "Benign"; Align-GVGD: "Class C0". The arginine amino acid residue is found in multiple mammalian species, which suggests that this missense change does not adversely affect protein function. In summary, the available evidence is currently insufficient to determine the role of this variant in disease. Therefore, it has been classified as a Variant of Uncertain Significance.